The following is an entry in ClinVar:

ClinVar aggregate classification (germline): Uncertain significance. Review status: criteria provided, multiple submitters, no conflicts (2 of 4 stars). 4 submissions from 4 submitters: Uncertain significance (4). Last evaluated 2025-10-21.

Conditions:
Inborn genetic diseases. Identifiers: MedGen C0950123, MeSH D030342.
Hyperkalemic periodic paralysis. Also called: Familial hyperkalemic periodic paralysis; Gamstorp disease. Identifiers: Orphanet 682, MedGen C0238357, MONDO:0008224, OMIM 170500, HP:0007215.
SCN4A-related myopathy, autosomal recessive. Identifiers: MedGen CN294783, MONDO:0100121.

Allele frequency attached by ClinVar (database versions not stated): TOPMed 0.00002.
gnomAD v4.1: 64 of 1,600,802 alleles (0.004%); highest among the groups gnomAD compares: Non-Finnish European, 0.0051%; no homozygotes.

Submissions (4):

Labcorp Genetics (formerly Invitae), Labcorp
Classification: Uncertain significance for Hyperkalemic periodic paralysis. Last evaluated: 2025-10-21. Review status: criteria provided, single submitter. Criteria: Invitae Variant Classification Sherloc (09022015). Collection method: clinical testing. Allele origin: germline.
Comment: This sequence change replaces proline, which is neutral and non-polar, with alanine, which is neutral and non-polar, at codon 875 of the SCN4A protein (p.Pro875Ala). This variant is present in population databases (rs201148948, gnomAD 0.01%). This variant has not been reported in the literature in individuals affected with SCN4A-related conditions. ClinVar contains an entry for this variant (Variation ID: 1024403). Invitae Evidence Modeling of protein sequence and biophysical properties (such as structural, functional, and spatial information, amino acid conservation, physicochemical variation, residue mobility, and thermodynamic stability) indicates that this missense variant is not expected to disrupt SCN4A protein function with a negative predictive value of 95%. In summary, the available evidence is currently insufficient to determine the role of this variant in disease. Therefore, it has been classified as a Variant of Uncertain Significance.

Ambry Genetics
Classification: Uncertain significance for Inborn genetic diseases. Last evaluated: 2021-09-01. Review status: criteria provided, single submitter. Criteria: Ambry Variant Classification Scheme 2023. Collection method: clinical testing. Allele origin: germline.

Victorian Clinical Genetics Services, Murdoch Childrens Research Institute
Classification: Uncertain significance for SCN4A-related myopathy, autosomal recessive. Last evaluated: 2021-05-06. Review status: criteria provided, single submitter. Criteria: ACMG Guidelines, 2015. Collection method: clinical testing. Allele origin: germline. Inheritance: Autosomal dominant inheritance. Affected: yes.
Comment: Based on the classification scheme VCGS_Germline_v1.3.4, this variant is classified as VUS-3C. Following criteria are met: 0103 - Loss of function and gain of function are known mechanisms of disease in this gene. Functional studies of missense variants have demonstrated both a loss and gain of protein function, even for the same phenotype (OMIM). (I) 0108 - This gene is associated with both recessive and dominant disease. Variants in this gene are usually inherited in a dominant manner, however rare reports of recessive inheritance in congential myasthenic syndrome have been reported (OMIM). (I) 0115 - Variants in this gene are known to have variable expressivity. Some individuals carrying pathogenic variants do not present with a typical clinical phenotype, however they do have detectable signs of myotonia on EMG (GeneReviews). (I) 0200 - Variant is predicted to result in a missense amino acid change from proline to alanine. (I) 0251 - This variant is heterozygous. (I) 0302 - Variant is present in gnomAD (v2) <0.001 (11 heterozygotes, 0 homozygotes). (SP) 0309 - An alternative amino acid change at the same position has been observed in gnomAD (v2) (267 heterozygotes, 1 homozygote). (I) 0503 - Missense variant consistently predicted to be tolerated by multiple in silico tools or not conserved in placental mammals with a minor amino acid change. (SB) 0600 - Variant is located in the annotated sodium ion transport-associated domain (NCBI, PDB). (I) 0710 - Another missense variant comparable to the one identified in this case has limited previous evidence for being benign. An alternative change to serine at the same residue has previously been classified as benign and likely benign (ClinVar, LOVD). (SB) 0807 - This variant has no previous evidence of pathogenicity. (I) 0905 - No published segregation evidence has been identified for this variant. (I) 1007 - No published functional evidence has been identified for this variant. (I) 1208 - Inheritance information for this variant is not currently available in this individual. (I) Legend: (SP) - Supporting pathogenic, (I) - Information, (SB) - Supporting benign

Revvity Omics, Revvity
Classification: Uncertain significance. Last evaluated: 2019-02-27. Review status: criteria provided, single submitter. Criteria: ACMG Guidelines, 2015. Collection method: clinical testing. Allele origin: germline.

NM_000334.4(SCN4A):c.2623C>G (p.Pro875Ala)

Genes: GH-LCR (growth hormone locus control region; plus strand), SCN4A (sodium voltage-gated channel alpha subunit 4; minus strand). Cytogenetic location: 17q23.3.
Variant type: single nucleotide variant.
Coding change: c.2623C>G on transcript NM_000334.4 (MANE Select); coding-DNA position 2623, C replaced by G.
Protein change: p.Pro875Ala; replaces proline 875 with alanine.
Molecular consequence: missense variant.
Genome position (GRCh38, 1-based): chr17:63,951,654, G>C on the plus strand (C>G on the coding strand, the complement: SCN4A is on the minus strand). VCF-style: chr17-63951654-G-C. GRCh37 (hg19) VCF-style: chr17-62029014-G-C.
Other names: short protein forms P875A.
Identifiers: ClinVar variation 1024403 (VCV001024403.14), dbSNP rs201148948, ClinGen allele CA8709543.